The following is an entry in ClinVar:

NM_078480.3(PUF60):c.860dup (p.Met287fs)

Gene: PUF60 (poly(U) binding splicing factor 60; minus strand). Cytogenetic location: 8q24.3.
Variant type: Duplication.
Coding change: c.860dup on transcript NM_078480.3 (MANE Select); coding-DNA position 860, one base duplicated (T; older notation c.860dupT).
Protein change: p.Met287fs; shifts the reading frame from methionine 287.
Molecular consequence: frameshift variant.
Genome position (GRCh38, 1-based): chr8:143,817,740, A duplicated on the plus strand (T on the coding strand, the reverse complement: PUF60 is on the minus strand). VCF-style (leftmost placement, unchanged base first): chr8-143817739-C-CA. GRCh37 (hg19) VCF-style: chr8-144899909-C-CA.
Other names: c.731dup, p.Met244fs (NM_001136033.3); c.806dup, p.Met269fs (NM_001271096.2); c.722dup, p.Met241fs (NM_001271097.2); c.857dup, p.Met286fs (NM_001271098.2); c.773dup, p.Met258fs (NM_001271099.2); c.680dup, p.Met227fs (NM_001271100.2); c.971dup, p.Met324fs (NM_001362895.2, NM_001362896.2); c.920dup, p.Met307fs (NM_001362897.2); and 2 more; short protein forms M227fs, M241fs, M244fs, M258fs, M269fs, M270fs, M286fs, M287fs.
Identifiers: ClinVar variation 1333187 (VCV001333187.3), dbSNP rs2130242101, ClinGen allele CA923726314.

ClinVar aggregate classification (germline): Pathogenic (1 of 4 stars; one submission).

Conditions:
8q24.3 microdeletion syndrome. Also called: CHROMOSOME 8q24.3 DELETION SYNDROME; Verheij syndrome. Identifiers: Orphanet 508488, MedGen C3810023, MONDO:0014263, OMIM 615583.

Submission:

Victorian Clinical Genetics Services, Murdoch Childrens Research Institute
Classification: Pathogenic for 8q24.3 microdeletion syndrome. Last evaluated: 2022-03-31. Review status: criteria provided, single submitter. Criteria: ACMG Guidelines, 2015. Collection method: clinical testing. Allele origin: germline. Inheritance: Autosomal dominant inheritance.
Comment: Based on the classification scheme VCGS_Germline_v1.3.4, this variant is classified as Pathogenic. Following criteria are met: 0102 - Loss of function is a known mechanism of disease in this gene and is associated with Verheij syndrome (MIM#615583). (I) 0107 - This gene is associated with autosomal dominant disease. (I) 0201 - Variant is predicted to cause nonsense-mediated decay (NMD) and loss of protein (premature termination codon is located at least 54 nucleotides upstream of the final exon-exon junction). (SP) 0251 - This variant is heterozygous. (I) 0301 - Variant is absent from gnomAD (both v2 and v3). (SP) 0701 - Other NMD-predicted variants comparable to the one identified in this case have very strong previous evidence for pathogenicity. These variants have been reported in many individuals with Verheij syndrome (Decipher, PMID: 30352594). (SP) 0807 - This variant has no previous evidence of pathogenicity. (I) 0905 - No published segregation evidence has been identified for this variant. (I) 1007 - No published functional evidence has been identified for this variant. (I) 1208 - Inheritance information for this variant is not currently available in this individual. (I) Legend: (SP) - Supporting pathogenic, (I) - Information, (SB) - Supporting benign

Literature cited by the submitters: PubMed 30352594.